The following is an entry in ClinVar:

ClinVar aggregate classification (germline): Pathogenic. Review status: criteria provided, multiple submitters, no conflicts (2 of 4 stars). 4 submissions from 4 submitters: Pathogenic (2). 2 of the submissions do not count toward it. Last evaluated 2026-01-27.

Conditions:
Nephrotic syndrome, type 2 (NPHS2). Also called: NEPHROTIC SYNDROME, STEROID-RESISTANT, AUTOSOMAL RECESSIVE. Identifiers: Orphanet 656, MedGen C1868672, MONDO:0010974, OMIM 600995.
Nephrotic syndrome. Identifiers: MedGen C0027726, MONDO:0005377, HP:0000100.

Submissions (4):

3billion
Classification: Pathogenic for Nephrotic syndrome, type 2. Last evaluated: 2026-01-27. Review status: criteria provided, single submitter. Criteria: ACMG Guidelines, 2015. Collection method: clinical testing. Allele origin: germline. Affected: yes.
Comment: The variant is not observed in the gnomAD v4.1.0 dataset. Predicted Consequence/Location: Start-lost: reinitiation of translation may occur at a downstream alternate start codon but still result in a loss or disruption of normal protein function as there have been pathogenic variants reported upstream of the alternate start codon. Damaging effect on gene or gene product predicted by in silico programs is uncertain [REVEL: 0.72 (damaging >=0.6, benign <0.4)]. The variant has been observed in multiple (>3) similarly affected unrelated individuals (PMID: 25349199). The variant has been reported to be in trans with a pathogenic variant as either compound heterozygous or homozygous in at least one similarly affected unrelated individual (PMID: 25349199). The variant has been reported to co-segregate with the disease in at least one similarly affected relative/individual in the same family or similarly affected unrelated families (PMID: 25349199). The variant has been reported at least twice as pathogenic with clinical assertions and evidence for the classification (ClinVar ID: VCV001344814 /PMID: 25349199 /3billion dataset). Therefore, this variant is classified as Pathogenic according to the recommendation of ACMG/AMP guideline.

Myriad Genetics, Inc.
Classification: Pathogenic for Nephrotic syndrome, type 2. Last evaluated: 2025-06-04. Review status: criteria provided, single submitter. Criteria: Myriad Autosomal Dominant, Autosomal Recessive and X-Linked Classification Criteria (2023). Collection method: clinical testing. Allele origin: unknown.
Comment: NM_014625.2(NPHS2):c.1A>T(M1?) is an initiation codon variant classified as pathogenic in the context of nephrotic syndrome, NPHS2-related. M1? has been observed in cases with relevant disease (PMID: 25349199). Relevant functional assessments of this variant are not available in the literature. M1? has not been observed in referenced population frequency databases. In summary, NM_014625.2(NPHS2):c.1A>T(M1?) is an initiation codon variant that has been observed more frequently in cases with the relevant disease than in healthy populations. Please note: this variant was assessed in the context of healthy population screening.

Clinical Laboratory Sciences Program (CLSP), King Saud bin Abdulaziz University for Health Sciences (KSAU-HS)
Classification: Pathogenic for Nephrotic syndrome, type 2. Last evaluated: 2023-04-01. Review status: no assertion criteria provided. Collection method: clinical testing. Allele origin: germline. Affected: yes. Not counted in ClinVar's aggregate classification.

Yale Center for Mendelian Genomics, Yale University
Classification: Likely pathogenic for Nephrotic syndrome. Last evaluated: 2017-11-10. Review status: no assertion criteria provided. Collection method: literature only. Allele origin: germline. Affected: yes. Observed: 1 homozygote. Study: Yale Center for Mendelian Genomics. Not counted in ClinVar's aggregate classification.

Literature cited by the submitters: PubMed 25349199 (cited by 3billion and Myriad Genetics, Inc.); PubMed 29127259 (cited by Yale Center for Mendelian Genomics, Yale University).

NM_014625.4(NPHS2):c.1A>T (p.Met1Leu)

Gene: NPHS2 (NPHS2 stomatin family member, podocin; minus strand). Cytogenetic location: 1q25.2.
Variant type: single nucleotide variant.
Coding change: c.1A>T on transcript NM_014625.4 (MANE Select); coding-DNA position 1, A replaced by T.
Protein change: p.Met1Leu; changes the start codon (methionine 1).
Molecular consequence: missense variant, initiator codon variant.
Genome position (GRCh38, 1-based): chr1:179,575,864, T>A on the plus strand (A>T on the coding strand, the complement: NPHS2 is on the minus strand). VCF-style: chr1-179575864-T-A. GRCh37 (hg19) VCF-style: chr1-179544999-T-A.
Other names: c.1A>T, p.Met1Leu (NM_001297575.2); c.1A>T (NM_014625.2); short protein forms M1L.
Identifiers: ClinVar variation 1344814 (VCV001344814.20), dbSNP rs2101887841, ClinGen allele CA343554484.